The following is an entry in ClinVar:

NM_001367624.2(ZNF469):c.10691A>G (p.Asp3564Gly)

Gene: ZNF469 (zinc finger protein 469; plus strand). Cytogenetic location: 16q24.2.
Variant type: single nucleotide variant.
Coding change: c.10691A>G on transcript NM_001367624.2 (MANE Select); coding-DNA position 10691, A replaced by G.
Protein change: p.Asp3564Gly; replaces aspartic acid 3564 with glycine.
Molecular consequence: missense variant.
Genome position (GRCh38, 1-based): chr16:88,438,161, A>G. VCF-style: chr16-88438161-A-G. GRCh37 (hg19) VCF-style: chr16-88504569-A-G.
Other names: NM_001127464.1:c.10607A>G; short protein forms D3564G.
Identifiers: ClinVar variation 4866973 (VCV004866973.1).

ClinVar aggregate classification (germline): Uncertain significance (1 of 4 stars; one submission).

Conditions:
Cardiovascular phenotype. Identifiers: MedGen CN230736.

gnomAD v4.1: 4 of 1,550,080 alleles (0.00026%); highest among the groups gnomAD compares: Admixed American, 0.002%; no homozygotes.

Submission:

Ambry Genetics
Classification: Uncertain significance for Cardiovascular phenotype. Last evaluated: 2026-03-28. Review status: criteria provided, single submitter. Criteria: Ambry Variant Classification Scheme 2023. Collection method: clinical testing. Allele origin: germline.
Comment: The p.D3536G variant (also known as c.10607A>G), located in coding exon 2 of the ZNF469 gene, results from an A to G substitution at nucleotide position 10607. The aspartic acid at codon 3536 is replaced by glycine, an amino acid with similar properties. This amino acid position is conserved. In addition, this alteration is predicted to be tolerated by in silico analysis. Based on the available evidence, the clinical significance of this variant remains unclear.